The following is an entry in ClinVar:

NM_004336.5(BUB1):c.81G>T (p.Trp27Cys)

Gene: BUB1 (BUB1 mitotic checkpoint serine/threonine kinase; minus strand). Cytogenetic location: 2q13.
Variant type: single nucleotide variant.
Coding change: c.81G>T on transcript NM_004336.5 (MANE Select); coding-DNA position 81, G replaced by T.
Protein change: p.Trp27Cys; replaces tryptophan 27 with cysteine.
Molecular consequence: missense variant. On other transcripts: intron variant (1).
Genome position (GRCh38, 1-based): chr2:110,674,311, C>A on the plus strand (G>T on the coding strand, the complement: BUB1 is on the minus strand). VCF-style: chr2-110674311-C-A. GRCh37 (hg19) VCF-style: chr2-111431888-C-A.
Other names: c.81G>T, p.Trp27Cys (NM_001278617.2); c.27-87G>T (NM_001278616.2); short protein forms W27C.
Identifiers: ClinVar variation 1762429 (VCV001762429.2), dbSNP rs760914973, ClinGen allele CA1828460.
Genomic context (GRCh38, chr2:110,674,311, plus strand): 5'-TTCCATGGGGCAGTGTATAGTTTGTTTAAGGGAAATAAAATAACTAAATGCTGACCTTTC[C>A]CATTCACCAAGAGGGTCATTGCCCTTGTAGCTCTGCATGTGGGCTTCAAGCATCCTAGAA-3'
Protein context (NP_004327.1, residues 17-37): SYKGNDPLGE[Trp27Cys]ERYIQWVEEN

ClinVar aggregate classification (germline): Uncertain significance (1 of 4 stars; one submission).

Allele frequency attached by ClinVar (database versions not stated): ExAC 0.00001; gnomAD exomes 0.00001; TOPMed 0.00003.
gnomAD v4.1: 3 of 1,613,980 alleles (0.00019%); highest among the groups gnomAD compares: Admixed American, 0.005%; no homozygotes.

Submission:

Ambry Genetics
Classification: Uncertain significance. Last evaluated: 2023-11-02. Review status: criteria provided, single submitter. Criteria: Ambry Variant Classification Scheme 2023. Collection method: clinical testing. Allele origin: germline.
Comment: The p.W27C variant (also known as c.81G>T), located in coding exon 2 of the BUB1 gene, results from a G to T substitution at nucleotide position 81. The tryptophan at codon 27 is replaced by cysteine, an amino acid with highly dissimilar properties. This amino acid position is conserved. In addition, this alteration is predicted to be deleterious by in silico analysis. Since supporting evidence is limited at this time, the clinical significance of this alteration remains unclear.